The following is an entry in ClinVar:

ClinVar aggregate classification (germline): Uncertain significance (1 of 4 stars; one submission).

Conditions:
Joubert syndrome. Also called: CEREBELLOPARENCHYMAL DISORDER IV; JOUBERT-BOLTSHAUSER SYNDROME; Familial aplasia of the vermis. Identifiers: Orphanet 475, MedGen C5979921, MONDO:0018772.
Meckel-Gruber syndrome. Also called: DYSENCEPHALIA SPLANCHNOCYSTICA; GRUBER SYNDROME; Dysencephalia splachnocystica. Identifiers: Orphanet 564, MedGen C0265215, MONDO:0018921.

gnomAD v4.1: 2 of 1,614,020 alleles (0.00012%); highest among the groups gnomAD compares: Non-Finnish European, 0.00017%; no homozygotes.

Submission:

Labcorp Genetics (formerly Invitae), Labcorp
Classification: Uncertain significance for Joubert syndrome; Meckel-Gruber syndrome. Last evaluated: 2025-07-30. Review status: criteria provided, single submitter. Criteria: Invitae Variant Classification Sherloc (09022015). Collection method: clinical testing. Allele origin: germline.
Comment: This sequence change replaces lysine, which is basic and polar, with glutamine, which is neutral and polar, at codon 1194 of the RPGRIP1L protein (p.Lys1194Gln). This variant is not present in population databases (gnomAD no frequency). This variant has not been reported in the literature in individuals affected with RPGRIP1L-related conditions. ClinVar contains an entry for this variant (Variation ID: 1926641). Invitae Evidence Modeling of protein sequence and biophysical properties (such as structural, functional, and spatial information, amino acid conservation, physicochemical variation, residue mobility, and thermodynamic stability) indicates that this missense variant is not expected to disrupt RPGRIP1L protein function with a negative predictive value of 80%. In summary, the available evidence is currently insufficient to determine the role of this variant in disease. Therefore, it has been classified as a Variant of Uncertain Significance.

NM_015272.5(RPGRIP1L):c.3580A>C (p.Lys1194Gln)

Gene: RPGRIP1L (RPGRIP1 like; minus strand). Cytogenetic location: 16q12.2.
Variant type: single nucleotide variant.
Coding change: c.3580A>C on transcript NM_015272.5 (MANE Select); coding-DNA position 3580, A replaced by C.
Protein change: p.Lys1194Gln; replaces lysine 1194 with glutamine.
Molecular consequence: missense variant.
Genome position (GRCh38, 1-based): chr16:53,619,061, T>G on the plus strand (A>C on the coding strand, the complement: RPGRIP1L is on the minus strand). VCF-style: chr16-53619061-T-G. GRCh37 (hg19) VCF-style: chr16-53652973-T-G.
Other names: c.3340A>C, p.Lys1114Gln (NM_001127897.4); c.3442A>C, p.Lys1148Gln (NM_001308334.3); c.3478A>C, p.Lys1160Gln (NM_001330538.2); short protein forms K1148Q, K1114Q, K1194Q, K1160Q.
Identifiers: ClinVar variation 1926641 (VCV001926641.5), dbSNP rs1482265266, ClinGen allele CA395923411.
Genomic context (GRCh38, chr16:53,619,061, plus strand): 5'-ATATTACAAATGAATCATACATACCATTGCTATAGTTATAGTAGACCCACTGCCCACTCT[T>G]GGGTTTTGGAAGTGACACGGGTGTCTCTTCAGCAGGAAGACTGTAGAATCGACACTCAAC-3'
Protein context (NP_056087.2, residues 1184-1204): EETPVSLPKP[Lys1194Gln]SGQWVYYNYS